The following is an entry in ClinVar:

NM_001369.3(DNAH5):c.10789G>C (p.Ala3597Pro)

Gene: DNAH5 (dynein axonemal heavy chain 5; minus strand). Cytogenetic location: 5p15.2.
Variant type: single nucleotide variant.
Coding change: c.10789G>C on transcript NM_001369.3 (MANE Select); coding-DNA position 10789, G replaced by C.
Protein change: p.Ala3597Pro; replaces alanine 3597 with proline.
Molecular consequence: missense variant.
Genome position (GRCh38, 1-based): chr5:13,753,316, C>G on the plus strand (G>C on the coding strand, the complement: DNAH5 is on the minus strand). VCF-style: chr5-13753316-C-G. GRCh37 (hg19) VCF-style: chr5-13753425-C-G.
Other names: short protein forms A3597P.
Identifiers: ClinVar variation 850991 (VCV000850991.15), dbSNP rs368959723, ClinGen allele CA359191214.

ClinVar aggregate classification (germline): Uncertain significance (1 of 4 stars; one submission).

Conditions:
Primary ciliary dyskinesia. Also called: Ciliary dyskinesia. Identifiers: Orphanet 244, MedGen C0008780, MONDO:0016575, HP:0012265.

gnomAD v4.1: 4 of 1,613,612 alleles (0.00025%); highest among the groups gnomAD compares: African/African-American, 0.0013%; no homozygotes.

Submission:

Labcorp Genetics (formerly Invitae), Labcorp
Classification: Uncertain significance for Primary ciliary dyskinesia. Last evaluated: 2021-08-31. Review status: criteria provided, single submitter. Criteria: Invitae Variant Classification Sherloc (09022015). Collection method: clinical testing. Allele origin: germline.
Comment: This sequence change replaces alanine with proline at codon 3597 of the DNAH5 protein (p.Ala3597Pro). The alanine residue is highly conserved and there is a small physicochemical difference between alanine and proline. This variant is not present in population databases (ExAC no frequency). This variant has not been reported in the literature in individuals affected with DNAH5-related conditions. Algorithms developed to predict the effect of missense changes on protein structure and function are either unavailable or do not agree on the potential impact of this missense change (SIFT: "Deleterious"; PolyPhen-2: "Possibly Damaging"; Align-GVGD: "Class C0"). In summary, the available evidence is currently insufficient to determine the role of this variant in disease. Therefore, it has been classified as a Variant of Uncertain Significance.